The following is an entry in ClinVar:

NM_001387025.1(GRAMD1B):c.1919+6G>A

Gene: GRAMD1B (GRAM domain containing 1B; plus strand). Cytogenetic location: 11q24.1.
Variant type: single nucleotide variant.
Coding change: c.1919+6G>A on transcript NM_001387025.1 (MANE Select); 6 bases into the intron after coding-DNA position 1919, G replaced by A.
Molecular consequence: intron variant.
Genome position (GRCh38, 1-based): chr11:123,610,344, G>A. VCF-style: chr11-123610344-G-A. GRCh37 (hg19) VCF-style: chr11-123481052-G-A.
Other names: c.1787+6G>A (NM_001367421.2); c.1571+6G>A (NM_001367420.2, NM_001367419.2, NM_001367418.2); c.1919+6G>A (NM_001387024.1); c.1916+6G>A (NM_001387026.1); c.1370+6G>A (NM_001387034.1, NM_001387030.1, NM_001387032.1 and 5 more transcripts); c.1511+6G>A (NM_001286563.3); c.1490+6G>A (NM_001387028.1, NM_020716.4, NM_001387029.1).
Identifiers: ClinVar variation 3057455 (VCV003057455.2), dbSNP rs540314980, ClinGen allele CA6333716.

ClinVar aggregate classification (germline): Likely benign (0 of 4 stars; one submission).

Conditions:
GRAMD1B-related disorder. Also called: GRAMD1B-related condition.

Allele frequency attached by ClinVar (database versions not stated): TOPMed 0.00001; gnomAD 0.00003; gnomAD exomes 0.00005; ExAC 0.00015; 1000 Genomes Project 30x 0.00016; 1000 Genomes Project 0.00020.
gnomAD v4.1: 80 of 1,613,814 alleles (0.005%); highest among the groups gnomAD compares: South Asian, 0.081%; no homozygotes.

Submission:

PreventionGenetics, part of Exact Sciences
Classification: Likely benign for GRAMD1B-related condition. Last evaluated: 2020-03-03. Review status: no assertion criteria provided. Collection method: clinical testing. Allele origin: germline.
Comment: This variant is classified as likely benign based on ACMG/AMP sequence variant interpretation guidelines (Richards et al. 2015 PMID: 25741868, with internal and published modifications).